The following is an entry in ClinVar:

ClinVar aggregate classification (germline): Uncertain significance. Review status: criteria provided, multiple submitters, no conflicts (2 of 4 stars). 2 submissions from 2 submitters: Uncertain significance (2). Last evaluated 2024-11-08.

Conditions:
Inborn genetic diseases. Identifiers: MedGen C0950123, MeSH D030342.

Allele frequency attached by ClinVar (database versions not stated): gnomAD exomes 0.00001; TOPMed 0.00001; ExAC 0.00003.
gnomAD v4.1: 11 of 1,612,000 alleles (0.00068%); highest among the groups gnomAD compares: Admixed American, 0.017%; no homozygotes.

Submissions (2):

Ambry Genetics
Classification: Uncertain significance for Inborn genetic diseases. Last evaluated: 2024-11-08. Review status: criteria provided, single submitter. Criteria: Ambry Variant Classification Scheme 2023. Collection method: clinical testing. Allele origin: germline.

Labcorp Genetics (formerly Invitae), Labcorp
Classification: Uncertain significance. Last evaluated: 2022-10-24. Review status: criteria provided, single submitter. Criteria: Invitae Variant Classification Sherloc (09022015). Collection method: clinical testing. Allele origin: germline.
Comment: This sequence change replaces glutamine, which is neutral and polar, with proline, which is neutral and non-polar, at codon 226 of the FRAS1 protein (p.Gln226Pro). This variant is present in population databases (rs764705322, gnomAD 0.02%). This variant has not been reported in the literature in individuals affected with FRAS1-related conditions. Algorithms developed to predict the effect of missense changes on protein structure and function are either unavailable or do not agree on the potential impact of this missense change (SIFT: "Deleterious"; PolyPhen-2: "Possibly Damaging"; Align-GVGD: "Class C0"). In summary, the available evidence is currently insufficient to determine the role of this variant in disease. Therefore, it has been classified as a Variant of Uncertain Significance.

NM_025074.7(FRAS1):c.677A>C (p.Gln226Pro)

Gene: FRAS1 (Fraser extracellular matrix complex subunit 1; plus strand). Cytogenetic location: 4q21.21.
Variant type: single nucleotide variant.
Coding change: c.677A>C on transcript NM_025074.7 (MANE Select); coding-DNA position 677, A replaced by C.
Protein change: p.Gln226Pro; replaces glutamine 226 with proline.
Molecular consequence: missense variant.
Genome position (GRCh38, 1-based): chr4:78,265,098, A>C. VCF-style: chr4-78265098-A-C. GRCh37 (hg19) VCF-style: chr4-79186252-A-C.
Other names: c.677A>C, p.Gln226Pro (NM_001166133.2); c.677A>C (NM_025074.6); short protein forms Q226P.
Identifiers: ClinVar variation 1911606 (VCV001911606.3), dbSNP rs764705322, ClinGen allele CA2976036.